The following is an entry in ClinVar:

NM_014989.7(RIMS1):c.333C>G (p.Asp111Glu)

Gene: RIMS1 (regulating synaptic membrane exocytosis 1; plus strand). Cytogenetic location: 6q13.
Variant type: single nucleotide variant.
Coding change: c.333C>G on transcript NM_014989.7 (MANE Select); coding-DNA position 333, C replaced by G.
Protein change: p.Asp111Glu; replaces aspartic acid 111 with glutamic acid.
Molecular consequence: missense variant.
Genome position (GRCh38, 1-based): chr6:72,097,036, C>G. VCF-style: chr6-72097036-C-G. GRCh37 (hg19) VCF-style: chr6-72806739-C-G.
Other names: c.333C>G (NM_014989.4); c.330C>G, p.Asp110Glu (NM_001350411.1); c.252C>G, p.Asp84Glu (NM_001350412.1); c.333C>G, p.Asp111Glu (NM_001350413.1); short protein forms D110E, D111E, D84E.
Identifiers: ClinVar variation 1954926 (VCV001954926.6), dbSNP rs768576466, ClinGen allele CA3885459.

ClinVar aggregate classification (germline): Uncertain significance. Review status: criteria provided, multiple submitters, no conflicts (2 of 4 stars). 2 submissions from 2 submitters: Uncertain significance (2). Last evaluated 2024-08-27.

Allele frequency attached by ClinVar (database versions not stated): gnomAD exomes 0.00001; ExAC 0.00005.
gnomAD v4.1: 28 of 1,613,936 alleles (0.0017%); highest among the groups gnomAD compares: South Asian, 0.023%; no homozygotes.

Submissions (2):

Ambry Genetics
Classification: Uncertain significance. Last evaluated: 2024-08-27. Review status: criteria provided, single submitter. Criteria: Ambry Variant Classification Scheme 2023. Collection method: clinical testing. Allele origin: germline.

Labcorp Genetics (formerly Invitae), Labcorp
Classification: Uncertain significance. Last evaluated: 2022-06-03. Review status: criteria provided, single submitter. Criteria: Invitae Variant Classification Sherloc (09022015). Collection method: clinical testing. Allele origin: germline.
Comment: This variant is present in population databases (rs768576466, gnomAD 0.02%). In summary, the available evidence is currently insufficient to determine the role of this variant in disease. Therefore, it has been classified as a Variant of Uncertain Significance. Algorithms developed to predict the effect of missense changes on protein structure and function are either unavailable or do not agree on the potential impact of this missense change (SIFT: "Deleterious"; PolyPhen-2: "Probably Damaging"; Align-GVGD: "Class C0"). This variant has not been reported in the literature in individuals affected with RIMS1-related conditions. This sequence change replaces aspartic acid, which is acidic and polar, with glutamic acid, which is acidic and polar, at codon 111 of the RIMS1 protein (p.Asp111Glu).